The following is an entry in ClinVar:

NM_198576.4(AGRN):c.5339T>C (p.Val1780Ala)

Gene: AGRN (agrin; plus strand). Cytogenetic location: 1p36.33.
Variant type: single nucleotide variant.
Coding change: c.5339T>C on transcript NM_198576.4 (MANE Select); coding-DNA position 5339, T replaced by C.
Protein change: p.Val1780Ala; replaces valine 1780 with alanine.
Molecular consequence: missense variant.
Genome position (GRCh38, 1-based): chr1:1,051,338, T>C. VCF-style: chr1-1051338-T-C. GRCh37 (hg19) VCF-style: chr1-986718-T-C.
Other names: c.5351T>C, p.Val1784Ala (NM_001305275.2); c.5036T>C, p.Val1679Ala (NM_001364727.2); c.5339T>C (NM_198576.3); short protein forms V1679A, V1780A, V1784A.
Identifiers: ClinVar variation 1513891 (VCV001513891.9), dbSNP rs369070635, ClinGen allele CA16702325.

ClinVar aggregate classification (germline): Uncertain significance. Review status: criteria provided, multiple submitters, no conflicts (2 of 4 stars). 2 submissions from 2 submitters: Uncertain significance (2). Last evaluated 2025-05-05.

Conditions:
Inborn genetic diseases. Identifiers: MedGen C0950123, MeSH D030342.
Congenital myasthenic syndrome 8. Also called: MYASTHENIC SYNDROME, CONGENITAL, DUE TO AGRIN DEFICIENCY; Myasthenic syndrome, congenital, 8, with pre- and postsynaptic defects. Identifiers: Orphanet 590, MedGen C3808739, MONDO:0014052, OMIM 615120.

Allele frequency attached by ClinVar (database versions not stated): gnomAD exomes 0.00002; TOPMed 0.00002; ESP Exome Variant Server 0.00008; gnomAD 0.00002.
gnomAD v4.1: 31 of 1,568,470 alleles (0.002%); highest among the groups gnomAD compares: Non-Finnish European, 0.0026%; no homozygotes.

Submissions (2):

Ambry Genetics
Classification: Uncertain significance for Inborn genetic diseases. Last evaluated: 2025-05-05. Review status: criteria provided, single submitter. Criteria: Ambry Variant Classification Scheme 2023. Collection method: clinical testing. Allele origin: germline.

Labcorp Genetics (formerly Invitae), Labcorp
Classification: Uncertain significance for Congenital myasthenic syndrome 8. Last evaluated: 2024-02-24. Review status: criteria provided, single submitter. Criteria: Invitae Variant Classification Sherloc (09022015). Collection method: clinical testing. Allele origin: germline.
Comment: This sequence change replaces valine, which is neutral and non-polar, with alanine, which is neutral and non-polar, at codon 1780 of the AGRN protein (p.Val1780Ala). This variant is present in population databases (rs369070635, gnomAD 0.007%). This variant has not been reported in the literature in individuals affected with AGRN-related conditions. ClinVar contains an entry for this variant (Variation ID: 1513891). Algorithms developed to predict the effect of missense changes on protein structure and function output the following: SIFT: "Not Available"; PolyPhen-2: "Benign"; Align-GVGD: "Not Available". The alanine amino acid residue is found in multiple mammalian species, which suggests that this missense change does not adversely affect protein function. In summary, the available evidence is currently insufficient to determine the role of this variant in disease. Therefore, it has been classified as a Variant of Uncertain Significance.